The following is an entry in ClinVar:

NM_020778.5(ALPK3):c.2077C>A (p.Gln693Lys)

Gene: ALPK3 (alpha kinase 3; plus strand). Cytogenetic location: 15q25.3.
Variant type: single nucleotide variant.
Coding change: c.2077C>A on transcript NM_020778.5 (MANE Select); coding-DNA position 2077, C replaced by A.
Protein change: p.Gln693Lys; replaces glutamine 693 with lysine.
Molecular consequence: missense variant.
Genome position (GRCh38, 1-based): chr15:84,856,815, C>A. VCF-style: chr15-84856815-C-A. GRCh37 (hg19) VCF-style: chr15-85400046-C-A.
Other names: short protein forms Q693K.
Identifiers: ClinVar variation 4744965 (VCV004744965.1).
Genomic context (GRCh38, chr15:84,856,815, plus strand): 5'-ACAACACAGGCAGGTGAGAAGATACAGGAAGACAGGAAGGCCCAGGCAGATAAGGGCACA[C>A]AGGAAGACAGAAGGATGCAGGGAGAGAAGGGGATGCAGGGAGAGAAGGGGACGCAGTCAG-3'
Protein context (NP_065829.4, residues 683-703): DRKAQADKGT[Gln693Lys]EDRRMQGEKG

ClinVar aggregate classification (germline): Uncertain significance (1 of 4 stars; one submission).

gnomAD v4.1: 1 of 1,613,990 alleles (0.000062%); highest among the groups gnomAD compares: Non-Finnish European, 0.000085%; no homozygotes.

Submission:

Labcorp Genetics (formerly Invitae), Labcorp
Classification: Uncertain significance. Last evaluated: 2025-11-22. Review status: criteria provided, single submitter. Criteria: Invitae Variant Classification Sherloc (09022015). Collection method: clinical testing. Allele origin: germline.
Comment: This sequence change replaces glutamine, which is neutral and polar, with lysine, which is basic and polar, at codon 895 of the ALPK3 protein (p.Gln895Lys). This variant is not present in population databases (gnomAD no frequency). This variant has not been reported in the literature in individuals affected with ALPK3-related conditions. Invitae Evidence Modeling of protein sequence and biophysical properties (such as structural, functional, and spatial information, amino acid conservation, physicochemical variation, residue mobility, and thermodynamic stability) indicates that this missense variant is not expected to disrupt ALPK3 protein function with a negative predictive value of 80%. In summary, the available evidence is currently insufficient to determine the role of this variant in disease. Therefore, it has been classified as a Variant of Uncertain Significance.